The following is an entry in ClinVar:

ClinVar aggregate classification (germline): Uncertain significance (1 of 4 stars; one submission).

Conditions:
Episodic ataxia type 2 (EA2). Also called: CEREBELLAR ATAXIA, PAROXYSMAL, ACETAZOLAMIDE-RESPONSIVE; CEREBELLOPATHY, HEREDITARY PAROXYSMAL; EPISODIC ATAXIA, NYSTAGMUS-ASSOCIATED; ACETAZOLAMIDE-RESPONSIVE HEREDITARY PAROXYSMAL CEREBELLAR ATAXIA; ATAXIA, EPISODIC, WITH NYSTAGMUS; ATAXIA, FAMILIAL PAROXYSMAL. Identifiers: Orphanet 97, MedGen C1720416, MONDO:0007163, OMIM 108500.
Developmental and epileptic encephalopathy, 42 (DEE42A). Also called: Epileptic encephalopathy, early infantile, 42; DEVELOPMENTAL AND EPILEPTIC ENCEPHALOPATHY 42A; EPILEPTIC ENCEPHALOPATHY, EARLY INFANTILE, 42A. Identifiers: MedGen C4310716, MONDO:0014917, OMIM 617106.

Submission:

Labcorp Genetics (formerly Invitae), Labcorp
Classification: Uncertain significance for Developmental and epileptic encephalopathy, 42; Episodic ataxia type 2. Last evaluated: 2023-02-24. Review status: criteria provided, single submitter. Criteria: Invitae Variant Classification Sherloc (09022015). Collection method: clinical testing. Allele origin: germline.
Comment: This sequence change replaces valine, which is neutral and non-polar, with methionine, which is neutral and non-polar, at codon 175 of the CACNA1A protein (p.Val175Met). This variant is not present in population databases (gnomAD no frequency). This variant has not been reported in the literature in individuals affected with CACNA1A-related conditions. Advanced modeling of protein sequence and biophysical properties (such as structural, functional, and spatial information, amino acid conservation, physicochemical variation, residue mobility, and thermodynamic stability) performed at Invitae indicates that this missense variant is expected to disrupt CACNA1A protein function. In summary, the available evidence is currently insufficient to determine the role of this variant in disease. Therefore, it has been classified as a Variant of Uncertain Significance.

NM_001127222.2(CACNA1A):c.523G>A (p.Val175Met)

Gene: CACNA1A (calcium voltage-gated channel subunit alpha1 A; minus strand). Cytogenetic location: 19p13.13.
Variant type: single nucleotide variant.
Coding change: c.523G>A on transcript NM_001127222.2 (MANE Select); coding-DNA position 523, G replaced by A.
Protein change: p.Val175Met; replaces valine 175 with methionine.
Molecular consequence: missense variant.
Genome position (GRCh38, 1-based): chr19:13,452,892, C>T on the plus strand (G>A on the coding strand, the complement: CACNA1A is on the minus strand). VCF-style: chr19-13452892-C-T. GRCh37 (hg19) VCF-style: chr19-13563706-C-T.
Other names: c.523G>A, p.Val175Met (NM_000068.4, NM_001127221.2, NM_001174080.2 and 1 more transcripts); short protein forms V175M.
Identifiers: ClinVar variation 2944700 (VCV002944700.3), dbSNP rs2513503485, ClinGen allele CA404967433.